The following is an entry in ClinVar:

ClinVar aggregate classification (germline): Uncertain significance (1 of 4 stars; one submission).

Conditions:
EGFR-related lung cancer (EGFR). Identifiers: MedGen CN130014.

Submission:

Labcorp Genetics (formerly Invitae), Labcorp
Classification: Uncertain significance for EGFR-related lung cancer. Last evaluated: 2021-01-20. Review status: criteria provided, single submitter. Criteria: Invitae Variant Classification Sherloc (09022015). Collection method: clinical testing. Allele origin: germline.
Comment: This sequence change replaces serine with isoleucine at codon 695 of the EGFR protein (p.Ser695Ile). The serine residue is highly conserved and there is a large physicochemical difference between serine and isoleucine. This variant is not present in population databases (ExAC no frequency). This variant has not been reported in the literature in individuals with EGFR-related conditions. Algorithms developed to predict the effect of missense changes on protein structure and function are either unavailable or do not agree on the potential impact of this missense change (SIFT: "Deleterious"; PolyPhen-2: "Probably Damaging"; Align-GVGD: "Class C0"). In summary, the available evidence is currently insufficient to determine the role of this variant in disease. Therefore, it has been classified as a Variant of Uncertain Significance.

NM_005228.5(EGFR):c.2084G>T (p.Ser695Ile)

Gene: EGFR (epidermal growth factor receptor; plus strand). Cytogenetic location: 7p11.2.
Variant type: single nucleotide variant.
Coding change: c.2084G>T on transcript NM_005228.5 (MANE Select); coding-DNA position 2084, G replaced by T.
Protein change: p.Ser695Ile; replaces serine 695 with isoleucine.
Molecular consequence: missense variant.
Genome position (GRCh38, 1-based): chr7:55,173,943, G>T. VCF-style: chr7-55173943-G-T. GRCh37 (hg19) VCF-style: chr7-55241636-G-T.
Other names: c.1949G>T, p.Ser650Ile (NM_001346897.2, NM_001346899.2); c.2084G>T, p.Ser695Ile (NM_001346898.2); c.1925G>T, p.Ser642Ile (NM_001346900.2); c.1283G>T, p.Ser428Ile (NM_001346941.2); short protein forms S428I, S642I, S650I, S695I.
Identifiers: ClinVar variation 1060800 (VCV001060800.9), dbSNP rs2128953537, ClinGen allele CA367583444.
Genomic context (GRCh38, chr7:55,173,943, plus strand): 5'-TGAGGTGACCCTTGTCTCTGTGTTCTTGTCCCCCCCAGCTTGTGGAGCCTCTTACACCCA[G>T]TGGAGAAGCTCCCAACCAAGCTCTCTTGAGGATCTTGAAGGAAACTGAATTCAAAAAGAT-3'
Protein context (NP_005219.2, residues 685-705): ERELVEPLTP[Ser695Ile]GEAPNQALLR